The following is an entry in ClinVar:

NM_014967.5(FAN1):c.229G>T (p.Val77Phe)

Gene: FAN1 (FANCD2 and FANCI associated nuclease 1; plus strand). Cytogenetic location: 15q13.3.
Variant type: single nucleotide variant.
Coding change: c.229G>T on transcript NM_014967.5 (MANE Select); coding-DNA position 229, G replaced by T.
Protein change: p.Val77Phe; replaces valine 77 with phenylalanine.
Molecular consequence: missense variant.
Genome position (GRCh38, 1-based): chr15:30,904,892, G>T. VCF-style: chr15-30904892-G-T. GRCh37 (hg19) VCF-style: chr15-31197095-G-T.
Other names: c.229G>T, p.Val77Phe (NM_001146094.2, NM_001146095.1, NM_001146096.2); short protein forms V77F.
Identifiers: ClinVar variation 2175426 (VCV002175426.4), dbSNP rs533629765, ClinGen allele CA7450011.

ClinVar aggregate classification (germline): Uncertain significance (1 of 4 stars; one submission).

Allele frequency attached by ClinVar (database versions not stated): 1000 Genomes Project 30x 0.00016.
gnomAD v4.1: 111 of 1,613,974 alleles (0.0069%); highest among the groups gnomAD compares: South Asian, 0.11%; 2 homozygotes.

Submission:

Labcorp Genetics (formerly Invitae), Labcorp
Classification: Uncertain significance. Last evaluated: 2022-07-06. Review status: criteria provided, single submitter. Criteria: Invitae Variant Classification Sherloc (09022015). Collection method: clinical testing. Allele origin: germline.
Comment: Algorithms developed to predict the effect of missense changes on protein structure and function are either unavailable or do not agree on the potential impact of this missense change (SIFT: "Deleterious"; PolyPhen-2: "Benign"; Align-GVGD: "Class C0"). This variant has not been reported in the literature in individuals affected with FAN1-related conditions. This variant is present in population databases (rs533629765, gnomAD 0.1%). This sequence change replaces valine, which is neutral and non-polar, with phenylalanine, which is neutral and non-polar, at codon 77 of the FAN1 protein (p.Val77Phe). In summary, the available evidence is currently insufficient to determine the role of this variant in disease. Therefore, it has been classified as a Variant of Uncertain Significance.